The following is an entry in ClinVar:

ClinVar aggregate classification (germline): Conflicting classifications of pathogenicity. Review status: criteria provided, conflicting classifications (1 of 4 stars). 2 submissions from 2 submitters: Uncertain significance (1); Likely benign (1). Last evaluated 2026-01-01.

Allele frequency attached by ClinVar (database versions not stated): 1000 Genomes Project 30x 0.00156; 1000 Genomes Project 0.00160; ExAC 0.00246; gnomAD 0.00339; TOPMed 0.00361.

Submissions (2):

CeGaT Center for Human Genetics Tuebingen
Classification: Likely benign. Last evaluated: 2026-01-01. Review status: criteria provided, single submitter. Criteria: CeGaT Center For Human Genetics Tuebingen Variant Classification Criteria Version 2. Collection method: clinical testing. Allele origin: germline. Affected: yes. Observed: 1 variant allele.
Comment: CRYBG2: BP4, BS2

Ambry Genetics
Classification: Uncertain significance. Last evaluated: 2021-10-18. Review status: criteria provided, single submitter. Criteria: Ambry Variant Classification Scheme 2023. Collection method: clinical testing. Allele origin: germline.

NM_001039775.4(CRYBG2):c.2493G>T (p.Glu831Asp)

Gene: CRYBG2 (crystallin beta-gamma domain containing 2; minus strand). Cytogenetic location: 1p36.11.
Variant type: single nucleotide variant.
Coding change: c.2493G>T on transcript NM_001039775.4 (MANE Select); coding-DNA position 2493, G replaced by T.
Protein change: p.Glu831Asp; replaces glutamic acid 831 with aspartic acid.
Molecular consequence: missense variant.
Genome position (GRCh38, 1-based): chr1:26,344,165, C>A on the plus strand (G>T on the coding strand, the complement: CRYBG2 is on the minus strand). VCF-style: chr1-26344165-C-A. GRCh37 (hg19) VCF-style: chr1-26670656-C-A.
Other names: short protein forms E831D.
Identifiers: ClinVar variation 3077820 (VCV003077820.5), dbSNP rs185540835, ClinGen allele CA704125.